The following is an entry in ClinVar:

NM_006767.4(LZTR1):c.522T>C (p.Ala174=)

Gene: LZTR1 (leucine zipper like post translational regulator 1; plus strand). Cytogenetic location: 22q11.21.
Variant type: single nucleotide variant.
Coding change: c.522T>C on transcript NM_006767.4 (MANE Select); coding-DNA position 522, T replaced by C.
Protein change: p.Ala174=; no amino-acid change (alanine 174 retained).
Molecular consequence: synonymous variant.
Genome position (GRCh38, 1-based): chr22:20,988,801, T>C. VCF-style: chr22-20988801-T-C. GRCh37 (hg19) VCF-style: chr22-21343090-T-C.
Identifiers: ClinVar variation 3389543 (VCV003389543.14).

ClinVar aggregate classification (germline): Likely benign (1 of 4 stars; one submission).

gnomAD v4.1: 1 of 1,614,024 alleles (0.000062%); highest among the groups gnomAD compares: Admixed American, 0.0017%; no homozygotes.

Submission:

CeGaT Center for Human Genetics Tuebingen
Classification: Likely benign. Last evaluated: 2024-09-01. Review status: criteria provided, single submitter. Criteria: CeGaT Center For Human Genetics Tuebingen Variant Classification Criteria Version 2. Collection method: clinical testing. Allele origin: germline. Affected: yes. Observed: 1 variant allele.
Comment: LZTR1: BP4, BP7